The following is an entry in ClinVar:

ClinVar aggregate classification (germline): Uncertain significance (1 of 4 stars; one submission).

Allele frequency attached by ClinVar (database versions not stated): gnomAD exomes below 0.00001.
gnomAD v4.1: 1 of 1,613,894 alleles (0.000062%); highest among the groups gnomAD compares: South Asian, 0.0011%; no homozygotes.

Submission:

Labcorp Genetics (formerly Invitae), Labcorp
Classification: Uncertain significance. Last evaluated: 2023-05-12. Review status: criteria provided, single submitter. Criteria: Invitae Variant Classification Sherloc (09022015). Collection method: clinical testing. Allele origin: germline.
Comment: This sequence change replaces glycine, which is neutral and non-polar, with arginine, which is basic and polar, at codon 235 of the RFWD3 protein (p.Gly235Arg). This variant is present in population databases (no rsID available, gnomAD 0.003%). In summary, the available evidence is currently insufficient to determine the role of this variant in disease. Therefore, it has been classified as a Variant of Uncertain Significance. Algorithms developed to predict the effect of missense changes on protein structure and function output the following: SIFT: "Not Available"; PolyPhen-2: "Benign"; Align-GVGD: "Not Available". The arginine amino acid residue is found in multiple mammalian species, which suggests that this missense change does not adversely affect protein function. This variant has not been reported in the literature in individuals affected with RFWD3-related conditions.

NM_018124.4(RFWD3):c.703G>A (p.Gly235Arg)

Gene: RFWD3 (ring finger and WD repeat domain 3; minus strand). Cytogenetic location: 16q23.1.
Variant type: single nucleotide variant.
Coding change: c.703G>A on transcript NM_018124.4 (MANE Select); coding-DNA position 703, G replaced by A.
Protein change: p.Gly235Arg; replaces glycine 235 with arginine.
Molecular consequence: missense variant. On other transcripts: 5 prime UTR variant (4), intron variant (1).
Genome position (GRCh38, 1-based): chr16:74,651,938, C>T on the plus strand (G>A on the coding strand, the complement: RFWD3 is on the minus strand). VCF-style: chr16-74651938-C-T. GRCh37 (hg19) VCF-style: chr16-74685836-C-T.
Other names: c.703G>A, p.Gly235Arg (NM_001370534.1, NM_001370535.1, NM_001370536.1); c.-306G>A (NM_001370537.1); c.-132G>A (NM_001370540.1); c.-183G>A (NM_001370542.1); c.-61G>A (NM_001370543.1); c.-113-2736G>A (NM_001370539.1); short protein forms G235R.
Identifiers: ClinVar variation 2863765 (VCV002863765.3), dbSNP rs1471666563, ClinGen allele CA396763349.
Genomic context (GRCh38, chr16:74,651,938, plus strand): 5'-GGATGTTAGCCTTGTGAGTCCAAACCTGGGTAAAATACTGACCTTCTAAAATGACAGCTC[C>T]AGATTCCTCTGCCTGGTCAACAACCCCTCCATACTCTGCAGAGCTGTCACTGTCAGAATC-3'
Protein context (NP_060594.3, residues 225-245): GGVVDQAEES[Gly235Arg]AVILEEQLAG